The following is an entry in ClinVar:

NM_007194.4(CHEK2):c.602T>C (p.Phe201Ser)

Gene: CHEK2 (checkpoint kinase 2; minus strand). Cytogenetic location: 22q12.1.
Variant type: single nucleotide variant.
Coding change: c.602T>C on transcript NM_007194.4 (MANE Select); coding-DNA position 602, T replaced by C.
Protein change: p.Phe201Ser; replaces phenylalanine 201 with serine.
Molecular consequence: missense variant. On other transcripts: 5 prime UTR variant (2), intron variant (1).
Genome position (GRCh38, 1-based): chr22:28,719,476, A>G on the plus strand (T>C on the coding strand, the complement: CHEK2 is on the minus strand). VCF-style: chr22-28719476-A-G. GRCh37 (hg19) VCF-style: chr22-29115464-A-G.
Other names: c.731T>C, p.Phe244Ser (NM_001005735.3, NM_001438294.1); c.-62T>C (NM_001257387.3, NM_001437942.1); c.695T>C, p.Phe232Ser (NM_001438293.1, NM_001438295.1); c.602T>C, p.Phe201Ser (NM_145862.3); c.482+5410T>C (NM_001349956.3); short protein forms F201S, F244S, F232S.
Identifiers: ClinVar variation 485516 (VCV000485516.13), dbSNP rs1555924525, ClinGen allele CA411105142.

ClinVar aggregate classification (germline): Uncertain significance. Review status: criteria provided, multiple submitters, no conflicts (2 of 4 stars). 3 submissions from 3 submitters: Uncertain significance (3). Last evaluated 2026-02-03.

Conditions:
Hereditary cancer-predisposing syndrome. Also called: Tumor predisposition; Hereditary Cancer Syndrome; Hereditary neoplastic syndrome; Neoplastic Syndromes, Hereditary. Identifiers: Orphanet 140162, MedGen C0027672, MeSH D009386, MONDO:0015356.
Familial cancer of breast. Also called: hereditary breast carcinoma; BREAST CANCER, FAMILIAL; Hereditary breast cancer. Identifiers: Orphanet 227535, MedGen C0346153, MONDO:0016419, OMIM 114480. Disease mechanism: loss of function.

Submissions (3):

Labcorp Genetics (formerly Invitae), Labcorp
Classification: Uncertain significance for Familial cancer of breast. Last evaluated: 2026-02-03. Review status: criteria provided, single submitter. Criteria: Invitae Variant Classification Sherloc (09022015). Collection method: clinical testing. Allele origin: germline.
Comment: This sequence change replaces phenylalanine, which is neutral and non-polar, with serine, which is neutral and polar, at codon 201 of the CHEK2 protein (p.Phe201Ser). This variant is not present in population databases (gnomAD no frequency). This missense change has been observed in individual(s) with breast cancer (PMID: 30303537). ClinVar contains an entry for this variant (Variation ID: 485516). An algorithm developed to predict the effect of missense changes on protein structure and function (PolyPhen-2) suggests that this variant is likely to be disruptive. In summary, the available evidence is currently insufficient to determine the role of this variant in disease. Therefore, it has been classified as a Variant of Uncertain Significance.

Ambry Genetics
Classification: Uncertain significance for Hereditary cancer-predisposing syndrome. Last evaluated: 2025-01-07. Review status: criteria provided, single submitter. Criteria: Ambry Variant Classification Scheme 2023. Collection method: clinical testing. Allele origin: germline.
Comment: The p.F201S variant (also known as c.602T>C), located in coding exon 4 of the CHEK2 gene, results from a T to C substitution at nucleotide position 602. The phenylalanine at codon 201 is replaced by serine, an amino acid with highly dissimilar properties. This alteration was identified in 1/1207 cases of French women diagnosed with breast cancer who had a sister with breast cancer and were BRCA1 and BRCA2 negative and 0/1199 general population controls (Girard E et al. Int J Cancer, 2019 04;144:1962-1974). This amino acid position is highly conserved in available vertebrate species. In addition, this alteration is predicted to be deleterious by in silico analysis. Based on the available evidence, the clinical significance of this variant remains unclear.

Baylor Genetics
Classification: Uncertain significance for Familial cancer of breast. Last evaluated: 2023-07-27. Review status: criteria provided, single submitter. Criteria: ACMG Guidelines, 2015. Collection method: clinical testing. Allele origin: unknown.

Literature cited by the submitters: PubMed 30303537 (cited by Labcorp Genetics (formerly Invitae), Labcorp and Ambry Genetics).